The following is an entry in ClinVar:

NM_170601.5(SIAE):c.624G>C (p.Gln208His)

Gene: SIAE (sialic acid acetylesterase; minus strand). Cytogenetic location: 11q24.2.
Variant type: single nucleotide variant.
Coding change: c.624G>C on transcript NM_170601.5 (MANE Select); coding-DNA position 624, G replaced by C.
Protein change: p.Gln208His; replaces glutamine 208 with histidine.
Molecular consequence: missense variant.
Genome position (GRCh38, 1-based): chr11:124,649,717, C>G on the plus strand (G>C on the coding strand, the complement: SIAE is on the minus strand). VCF-style: chr11-124649717-C-G. GRCh37 (hg19) VCF-style: chr11-124519613-C-G.
Other names: c.519G>C, p.Gln173His (NM_001199922.2); short protein forms Q173H, Q208H.
Identifiers: ClinVar variation 1956689 (VCV001956689.5), dbSNP rs1167461198, ClinGen allele CA383150954.

ClinVar aggregate classification (germline): Uncertain significance (1 of 4 stars; one submission).

Submission:

Labcorp Genetics (formerly Invitae), Labcorp
Classification: Uncertain significance. Last evaluated: 2022-09-27. Review status: criteria provided, single submitter. Criteria: Invitae Variant Classification Sherloc (09022015). Collection method: clinical testing. Allele origin: germline.
Comment: This variant has not been reported in the literature in individuals affected with SIAE-related conditions. In summary, the available evidence is currently insufficient to determine the role of this variant in disease. Therefore, it has been classified as a Variant of Uncertain Significance. Algorithms developed to predict the effect of missense changes on protein structure and function output the following: SIFT: "Tolerated"; PolyPhen-2: "Benign"; Align-GVGD: "Class C0". The histidine amino acid residue is found in multiple mammalian species, which suggests that this missense change does not adversely affect protein function. This variant is not present in population databases (gnomAD no frequency). This sequence change replaces glutamine, which is neutral and polar, with histidine, which is basic and polar, at codon 208 of the SIAE protein (p.Gln208His).